The following is an entry in ClinVar:

NM_182925.5(FLT4):c.3650G>A (p.Ser1217Asn)

Gene: FLT4 (fms related receptor tyrosine kinase 4; minus strand). Cytogenetic location: 5q35.3.
Variant type: single nucleotide variant.
Coding change: c.3650G>A on transcript NM_182925.5 (MANE Select); coding-DNA position 3650, G replaced by A.
Protein change: p.Ser1217Asn; replaces serine 1217 with asparagine.
Molecular consequence: missense variant.
Genome position (GRCh38, 1-based): chr5:180,611,367, C>T on the plus strand (G>A on the coding strand, the complement: FLT4 is on the minus strand). VCF-style: chr5-180611367-C-T. GRCh37 (hg19) VCF-style: chr5-180038367-C-T.
Other names: c.3650G>A, p.Ser1217Asn (NM_001354989.2, NM_002020.5); short protein forms S1217N.
Identifiers: ClinVar variation 3901686 (VCV003901686.1).

ClinVar aggregate classification (germline): Uncertain significance (1 of 4 stars; one submission).

gnomAD v4.1: 21 of 1,613,792 alleles (0.0013%); highest among the groups gnomAD compares: Non-Finnish European, 0.0017%; no homozygotes.

Submission:

GeneDx
Classification: Uncertain significance. Last evaluated: 2024-12-06. Review status: criteria provided, single submitter. Criteria: GeneDx Variant Classification Process June 2021. Collection method: clinical testing. Allele origin: germline. Affected: yes.
Comment: In silico analysis indicates that this missense variant does not alter protein structure/function; Has not been previously published as pathogenic or benign to our knowledge